The following is an entry in ClinVar:

ClinVar aggregate classification (germline): Uncertain significance (1 of 4 stars; one submission).

Conditions:
Neurofibromatosis, type 1 (NF1). Also called: Peripheral type neurofibromatosis; Neurofibromatosis, type I; VON RECKLINGHAUSEN DISEASE; NEUROFIBROMATOSIS, TYPE I, SOMATIC. Identifiers: Orphanet 636, MedGen C0027831, MONDO:0018975, OMIM 162200. Disease mechanism: loss of function.

Submission:

Labcorp Genetics (formerly Invitae), Labcorp
Classification: Uncertain significance for Neurofibromatosis, type 1. Last evaluated: 2024-07-26. Review status: criteria provided, single submitter. Criteria: Invitae Variant Classification Sherloc (09022015). Collection method: clinical testing. Allele origin: germline.
Comment: This sequence change replaces arginine, which is basic and polar, with lysine, which is basic and polar, at codon 1505 of the NF1 protein (p.Arg1505Lys). This variant also falls at the last nucleotide of exon 33, which is part of the consensus splice site for this exon. This variant is not present in population databases (gnomAD no frequency). This variant has not been reported in the literature in individuals affected with NF1-related conditions. An algorithm developed to predict the effect of missense changes on protein structure and function (PolyPhen-2) suggests that this variant is likely to be disruptive. Variants that disrupt the consensus splice site are a relatively common cause of aberrant splicing (PMID: 17576681, 9536098). In summary, the available evidence is currently insufficient to determine the role of this variant in disease. Therefore, it has been classified as a Variant of Uncertain Significance.

Literature cited by the submitters: PubMed 17576681; PubMed 9536098.

NM_001042492.3(NF1):c.4577G>A (p.Arg1526Lys)

Gene: NF1 (neurofibromin 1; plus strand). Cytogenetic location: 17q11.2.
Variant type: single nucleotide variant.
Coding change: c.4577G>A on transcript NM_001042492.3 (MANE Select); coding-DNA position 4577, G replaced by A.
Protein change: p.Arg1526Lys; replaces arginine 1526 with lysine.
Molecular consequence: missense variant.
Genome position (GRCh38, 1-based): chr17:31,260,515, G>A. VCF-style: chr17-31260515-G-A. GRCh37 (hg19) VCF-style: chr17-29587533-G-A.
Other names: c.4514G>A, p.Arg1505Lys (NM_000267.4); short protein forms R1505K, R1526K.
Identifiers: ClinVar variation 3698609 (VCV003698609.2).